The following is an entry in ClinVar:

ClinVar aggregate classification (germline): Uncertain significance. Review status: criteria provided, multiple submitters, no conflicts (2 of 4 stars). 2 submissions from 2 submitters: Uncertain significance (2). Last evaluated 2025-12-30.

gnomAD v4.1: 56 of 1,613,574 alleles (0.0035%); highest among the groups gnomAD compares: Admixed American, 0.07%; no homozygotes.

Submissions (2):

Labcorp Genetics (formerly Invitae), Labcorp
Classification: Uncertain significance. Last evaluated: 2025-12-30. Review status: criteria provided, single submitter. Criteria: Invitae Variant Classification Sherloc (09022015). Collection method: clinical testing. Allele origin: germline.
Comment: This sequence change replaces methionine, which is neutral and non-polar, with valine, which is neutral and non-polar, at codon 292 of the ZDBF2 protein (p.Met292Val). This variant is present in population databases (rs200849358, gnomAD 0.1%), and has an allele count higher than expected for a pathogenic variant. This variant has not been reported in the literature in individuals affected with ZDBF2-related conditions. ClinVar contains an entry for this variant (Variation ID: 3334186). An algorithm developed to predict the effect of missense changes on protein structure and function outputs the following: PolyPhen-2: "Benign". The valine amino acid residue is found in multiple mammalian species, which suggests that this missense change does not adversely affect protein function. In summary, the available evidence is currently insufficient to determine the role of this variant in disease. Therefore, it has been classified as a Variant of Uncertain Significance.

Ambry Genetics
Classification: Uncertain significance. Last evaluated: 2024-06-07. Review status: criteria provided, single submitter. Criteria: Ambry Variant Classification Scheme 2023. Collection method: clinical testing. Allele origin: germline.

NM_020923.3(ZDBF2):c.874A>G (p.Met292Val)

Gene: ZDBF2 (zinc finger DBF-type containing 2; plus strand). Cytogenetic location: 2q33.3.
Variant type: single nucleotide variant.
Coding change: c.874A>G on transcript NM_020923.3 (MANE Select); coding-DNA position 874, A replaced by G.
Protein change: p.Met292Val; replaces methionine 292 with valine.
Molecular consequence: missense variant.
Genome position (GRCh38, 1-based): chr2:206,305,402, A>G. VCF-style: chr2-206305402-A-G. GRCh37 (hg19) VCF-style: chr2-207170126-A-G.
Other names: c.868A>G, p.Met290Val (NM_001285549.2); c.874A>G, p.Met292Val (NM_001369654.1); short protein forms M290V, M292V.
Identifiers: ClinVar variation 3334186 (VCV003334186.3).